The following is an entry in ClinVar:

ClinVar aggregate classification (germline): Likely benign (1 of 4 stars; one submission).

gnomAD v4.1: 14 of 1,614,172 alleles (0.00087%); highest among the groups gnomAD compares: Non-Finnish European, 0.0011%; no homozygotes.

Submission:

CeGaT Center for Human Genetics Tuebingen
Classification: Likely benign. Last evaluated: 2024-11-01. Review status: criteria provided, single submitter. Criteria: CeGaT Center For Human Genetics Tuebingen Variant Classification Criteria Version 2. Collection method: clinical testing. Allele origin: germline. Affected: yes. Observed: 1 variant allele.
Comment: KMT5B: BP4

NM_017635.5(KMT5B):c.1771G>A (p.Ala591Thr)

Gene: KMT5B (lysine methyltransferase 5B; minus strand). Cytogenetic location: 11q13.2.
Variant type: single nucleotide variant.
Coding change: c.1771G>A on transcript NM_017635.5 (MANE Select); coding-DNA position 1771, G replaced by A.
Protein change: p.Ala591Thr; replaces alanine 591 with threonine.
Molecular consequence: missense variant.
Genome position (GRCh38, 1-based): chr11:68,158,575, C>T on the plus strand (G>A on the coding strand, the complement: KMT5B is on the minus strand). VCF-style: chr11-68158575-C-T. GRCh37 (hg19) VCF-style: chr11-67926042-C-T.
Other names: c.1255G>A, p.Ala419Thr (NM_001300907.1, NM_001369428.1, NM_001369429.1 and 4 more transcripts); c.1051G>A, p.Ala351Thr (NM_001300908.2); c.1771G>A, p.Ala591Thr (NM_001369426.1); short protein forms A351T, A419T, A591T.
Identifiers: ClinVar variation 3388847 (VCV003388847.14).
Genomic context (GRCh38, chr11:68,158,575, plus strand): 5'-TGGACATGCCTGTGTCACTCTTATGACACTTTGCCTCCCCTTTTTGTGCAGTCTCATGAG[C>T]CAGTTCTTCCTCCTGCAGCACAGGAGCTGGCTGCAGCTGTTCACCACTGTCGGGGCAAGG-3'
Protein context (NP_060105.3, residues 581-601): PAPVLQEEEL[Ala591Thr]HETAQKGEAK